The following is an entry in ClinVar:

NM_001276270.2(MBD4):c.204C>G (p.Pro68=)

Gene: MBD4 (methyl-CpG binding domain 4, DNA glycosylase; minus strand). Cytogenetic location: 3q21.3.
Variant type: single nucleotide variant.
Coding change: c.204C>G on transcript NM_001276270.2 (MANE Select); coding-DNA position 204, C replaced by G.
Protein change: p.Pro68=; no amino-acid change (proline 68 retained).
Molecular consequence: synonymous variant.
Genome position (GRCh38, 1-based): chr3:129,437,851, G>C on the plus strand (C>G on the coding strand, the complement: MBD4 is on the minus strand). VCF-style: chr3-129437851-G-C. GRCh37 (hg19) VCF-style: chr3-129156694-G-C.
Other names: c.204C>G, p.Pro68= (NM_001276271.2, NM_001276272.2, NM_001276273.2 and 1 more transcripts).
Identifiers: ClinVar variation 3691915 (VCV003691915.4).

ClinVar aggregate classification (germline): Benign/Likely benign. Review status: criteria provided, multiple submitters, no conflicts (2 of 4 stars). 3 submissions from 3 submitters: Benign (1); Likely benign (2). Last evaluated 2026-06-09.

Conditions:
Tumor predisposition syndrome 2 (TPDS2). Also called: MBD4-Related Tumor Predisposition Syndrome; MBD4-associated neoplasia syndrome (MANS); MBD4-ASSOCIATED NEOPLASIA SYNDROME. Identifiers: Orphanet 661526, MedGen C5774186, MONDO:0859267, OMIM 619975.
Inborn genetic diseases. Identifiers: MedGen C0950123, MeSH D030342.

gnomAD v4.1: 2 of 1,613,948 alleles (0.00012%); highest among the groups gnomAD compares: African/African-American, 0.0027%; no homozygotes.

Submissions (3):

Myriad Genetics, Inc.
Classification: Benign for Tumor predisposition syndrome 2. Last evaluated: 2026-06-09. Review status: criteria provided, single submitter. Criteria: Myriad Autosomal Dominant, Autosomal Recessive and X-Linked Classification Criteria (2023). Collection method: clinical testing. Allele origin: unknown.
Comment: This variant is considered benign. This variant is a silent/synonymous amino acid change and it is not expected to impact splicing.

Labcorp Genetics (formerly Invitae), Labcorp
Classification: Likely benign. Last evaluated: 2025-09-30. Review status: criteria provided, single submitter. Criteria: Invitae Variant Classification Sherloc (09022015). Collection method: clinical testing. Allele origin: germline.

Ambry Genetics
Classification: Likely benign for Inborn genetic diseases. Last evaluated: 2025-02-22. Review status: criteria provided, single submitter. Criteria: Ambry Variant Classification Scheme 2023. Collection method: clinical testing. Allele origin: germline.